The following is an entry in ClinVar:

ClinVar aggregate classification (germline): Uncertain significance (1 of 4 stars; one submission).

Conditions:
Primary ciliary dyskinesia. Also called: Ciliary dyskinesia. Identifiers: Orphanet 244, MedGen C0008780, MONDO:0016575, HP:0012265.

gnomAD v4.1: 5 of 1,613,582 alleles (0.00031%); highest among the groups gnomAD compares: Non-Finnish European, 0.00042%; no homozygotes.

Submission:

Labcorp Genetics (formerly Invitae), Labcorp
Classification: Uncertain significance for Primary ciliary dyskinesia. Last evaluated: 2025-10-18. Review status: criteria provided, single submitter. Criteria: Invitae Variant Classification Sherloc (09022015). Collection method: clinical testing. Allele origin: germline.
Comment: This sequence change replaces threonine, which is neutral and polar, with serine, which is neutral and polar, at codon 3601 of the DNAH11 protein (p.Thr3601Ser). This variant is not present in population databases (gnomAD no frequency). This variant has not been reported in the literature in individuals affected with DNAH11-related conditions. Invitae Evidence Modeling of protein sequence and biophysical properties (such as structural, functional, and spatial information, amino acid conservation, physicochemical variation, residue mobility, and thermodynamic stability) indicates that this missense variant is not expected to disrupt DNAH11 protein function with a negative predictive value of 95%. In summary, the available evidence is currently insufficient to determine the role of this variant in disease. Therefore, it has been classified as a Variant of Uncertain Significance.

NM_001277115.2(DNAH11):c.10801A>T (p.Thr3601Ser)

Gene: DNAH11 (dynein axonemal heavy chain 11; plus strand). Cytogenetic location: 7p15.3.
Variant type: single nucleotide variant.
Coding change: c.10801A>T on transcript NM_001277115.2 (MANE Select); coding-DNA position 10801, A replaced by T.
Protein change: p.Thr3601Ser; replaces threonine 3601 with serine.
Molecular consequence: missense variant.
Genome position (GRCh38, 1-based): chr7:21,842,653, A>T. VCF-style: chr7-21842653-A-T. GRCh37 (hg19) VCF-style: chr7-21882271-A-T.
Other names: short protein forms T3601S.
Identifiers: ClinVar variation 4706802 (VCV004706802.1).